The following is an entry in ClinVar:

ClinVar aggregate classification (germline): Uncertain significance (1 of 4 stars; one submission).

Submission:

Labcorp Genetics (formerly Invitae), Labcorp
Classification: Uncertain significance. Last evaluated: 2021-07-16. Review status: criteria provided, single submitter. Criteria: Invitae Variant Classification Sherloc (09022015). Collection method: clinical testing. Allele origin: germline.
Comment: This sequence change replaces glutamic acid with alanine at codon 340 of the SP7 protein (p.Glu340Ala). The glutamic acid residue is highly conserved and there is a moderate physicochemical difference between glutamic acid and alanine. This variant is not present in population databases (ExAC no frequency). This variant has not been reported in the literature in individuals with SP7-related conditions. Algorithms developed to predict the effect of missense changes on protein structure and function (SIFT, PolyPhen-2, Align-GVGD) all suggest that this variant is likely to be disruptive, but these predictions have not been confirmed by published functional studies and their clinical significance is uncertain. In summary, the available evidence is currently insufficient to determine the role of this variant in disease. Therefore, it has been classified as a Variant of Uncertain Significance.

NM_001173467.3(SP7):c.1019A>C (p.Glu340Ala)

Gene: SP7 (Sp7 transcription factor; minus strand). Cytogenetic location: 12q13.13.
Variant type: single nucleotide variant.
Coding change: c.1019A>C on transcript NM_001173467.3 (MANE Select); coding-DNA position 1019, A replaced by C.
Protein change: p.Glu340Ala; replaces glutamic acid 340 with alanine.
Molecular consequence: missense variant.
Genome position (GRCh38, 1-based): chr12:53,328,423, T>G on the plus strand (A>C on the coding strand, the complement: SP7 is on the minus strand). VCF-style: chr12-53328423-T-G. GRCh37 (hg19) VCF-style: chr12-53722207-T-G.
Other names: c.965A>C, p.Glu322Ala (NM_001300837.2); c.1019A>C, p.Glu340Ala (NM_152860.2); short protein forms E322A, E340A.
Identifiers: ClinVar variation 1513080 (VCV001513080.8), dbSNP rs2136833947, ClinGen allele CA385051558.